The following is an entry in ClinVar:

ClinVar aggregate classification (germline): Uncertain significance (1 of 4 stars; one submission).

Conditions:
Progressive microcephaly-seizures-cortical blindness-developmental delay syndrome. Also called: Seizures, cortical blindness, and microcephaly syndrome. Identifiers: Orphanet 477814, MedGen C5567650, MONDO:0014714, OMIM 616632.
Autosomal dominant nonsyndromic hearing loss 1. Also called: DEAFNESS, AUTOSOMAL DOMINANT 1, WITH OR WITHOUT THROMBOCYTOPENIA; KONIGSMARK SYNDROME. Identifiers: Orphanet 90635, MedGen C1852282, MONDO:0007424, OMIM 124900.

Allele frequency attached by ClinVar (database versions not stated): gnomAD exomes below 0.00001; ESP Exome Variant Server 0.00008.
gnomAD v4.1: 5 of 1,614,026 alleles (0.00031%); highest among the groups gnomAD compares: African/African-American, 0.0067%; no homozygotes.

Submission:

Labcorp Genetics (formerly Invitae), Labcorp
Classification: Uncertain significance for Progressive microcephaly-seizures-cortical blindness-developmental delay syndrome; Autosomal dominant nonsyndromic hearing loss 1. Last evaluated: 2025-01-13. Review status: criteria provided, single submitter. Criteria: Invitae Variant Classification Sherloc (09022015). Collection method: clinical testing. Allele origin: germline.
Comment: This sequence change replaces aspartic acid, which is acidic and polar, with tyrosine, which is neutral and polar, at codon 536 of the DIAPH1 protein (p.Asp536Tyr). This variant is present in population databases (rs377104351, gnomAD 0.008%). This variant has not been reported in the literature in individuals affected with DIAPH1-related conditions. ClinVar contains an entry for this variant (Variation ID: 1401891). Experimental studies and prediction algorithms are not available or were not evaluated, and the functional significance of this variant is currently unknown. In summary, the available evidence is currently insufficient to determine the role of this variant in disease. Therefore, it has been classified as a Variant of Uncertain Significance.

NM_005219.5(DIAPH1):c.1606G>T (p.Asp536Tyr)

Gene: DIAPH1 (diaphanous related formin 1; minus strand). Cytogenetic location: 5q31.3.
Variant type: single nucleotide variant.
Coding change: c.1606G>T on transcript NM_005219.5 (MANE Select); coding-DNA position 1606, G replaced by T.
Protein change: p.Asp536Tyr; replaces aspartic acid 536 with tyrosine.
Molecular consequence: missense variant.
Genome position (GRCh38, 1-based): chr5:141,575,002, C>A on the plus strand (G>T on the coding strand, the complement: DIAPH1 is on the minus strand). VCF-style: chr5-141575002-C-A. GRCh37 (hg19) VCF-style: chr5-140954569-C-A.
Other names: c.1579G>T, p.Asp527Tyr (NM_001079812.3); c.1606G>T, p.Asp536Tyr (NM_001314007.2); short protein forms D536Y, D527Y.
Identifiers: ClinVar variation 1401891 (VCV001401891.10), dbSNP rs377104351, ClinGen allele CA128438017.